The following is an entry in ClinVar:

ClinVar aggregate classification (germline): Uncertain significance (1 of 4 stars; one submission).

Submission:

Labcorp Genetics (formerly Invitae), Labcorp
Classification: Uncertain significance. Last evaluated: 2022-07-21. Review status: criteria provided, single submitter. Criteria: Invitae Variant Classification Sherloc (09022015). Collection method: clinical testing. Allele origin: germline.
Comment: This variant is present in population databases (rs767536209, gnomAD 0.001%). In summary, the available evidence is currently insufficient to determine the role of this variant in disease. Therefore, it has been classified as a Variant of Uncertain Significance. This variant has not been reported in the literature in individuals affected with CACNA2D4-related conditions. This sequence change creates a premature translational stop signal (p.Arg277Glufs*16) in the CACNA2D4 gene. It is expected to result in an absent or disrupted protein product. However, the current clinical and genetic evidence is not sufficient to establish whether loss-of-function variants in CACNA2D4 cause disease.

NM_172364.5(CACNA2D4):c.829del (p.Arg277fs)

Gene: CACNA2D4 (calcium voltage-gated channel auxiliary subunit alpha2delta 4; minus strand). Cytogenetic location: 12p13.33.
Variant type: Deletion.
Coding change: c.829del on transcript NM_172364.5 (MANE Select); coding-DNA position 829, one base deleted (C; older notation c.829delC).
Protein change: p.Arg277fs; shifts the reading frame from arginine 277.
Molecular consequence: frameshift variant.
Genome position (GRCh38, 1-based): chr12:1,887,022, G deleted on the plus strand (C on the coding strand, the reverse complement: CACNA2D4 is on the minus strand); the first of 2 consecutive G bases (chr12:1,887,022-1,887,023); deleting either gives the same sequence. VCF-style (leftmost placement, unchanged base first): chr12-1887021-CG-C. GRCh37 (hg19) VCF-style: chr12-1996187-CG-C.
Other names: short protein forms R277fs.
Identifiers: ClinVar variation 1904716 (VCV001904716.5), dbSNP rs767536209, ClinGen allele CA6387402.